The following is an entry in ClinVar:

ClinVar aggregate classification (germline): Likely benign (1 of 4 stars; one submission).

gnomAD v4.1: 11 of 1,613,532 alleles (0.00068%); highest among the groups gnomAD compares: South Asian, 0.0011%; no homozygotes.

Submission:

CeGaT Center for Human Genetics Tuebingen
Classification: Likely benign. Last evaluated: 2025-11-01. Review status: criteria provided, single submitter. Criteria: CeGaT Center For Human Genetics Tuebingen Variant Classification Criteria Version 2. Collection method: clinical testing. Allele origin: germline. Affected: yes. Observed: 1 variant allele.
Comment: VPS4A: BP4, BP7

NM_013245.3(VPS4A):c.147C>T (p.Ser49=)

Genes: VPS4A (vacuolar protein sorting 4 homolog A; plus strand), LOC126862382 (CDK7 strongly-dependent group 2 enhancer GRCh37_chr16:69349279-69350478; plus strand). Cytogenetic location: 16q22.1.
Variant type: single nucleotide variant.
Coding change: c.147C>T on transcript NM_013245.3 (MANE Select); coding-DNA position 147, C replaced by T.
Protein change: p.Ser49=; no amino-acid change (serine 49 retained).
Molecular consequence: synonymous variant.
Genome position (GRCh38, 1-based): chr16:69,316,238, C>T. VCF-style: chr16-69316238-C-T. GRCh37 (hg19) VCF-style: chr16-69350141-C-T.
Identifiers: ClinVar variation 4533882 (VCV004533882.6).
Genomic context (GRCh38, chr16:69,316,238, plus strand): 5'-GGTGGCGCACGAGCCTCACAGGGGCCCCTCTGTGTTCCCTTTCACAGATGAGGCCCACAG[C>T]GACAAGGCCAAGGAGAGCATTCGAGCCAAGTGCGTGCAGTACCTAGACCGGGCCGAGAAG-3'
Protein context (NP_037377.1, residues 39-59): FLHAIKYEAH[Ser49=]DKAKESIRAK